The following is an entry in ClinVar:

NM_003070.5(SMARCA2):c.175A>T (p.Thr59Ser)

Gene: SMARCA2 (SWI/SNF related BAF chromatin remodeling complex subunit ATPase 2; plus strand). Cytogenetic location: 9p24.3.
Variant type: single nucleotide variant.
Coding change: c.175A>T on transcript NM_003070.5 (MANE Select); coding-DNA position 175, A replaced by T.
Protein change: p.Thr59Ser; replaces threonine 59 with serine.
Molecular consequence: missense variant.
Genome position (GRCh38, 1-based): chr9:2,029,197, A>T. VCF-style: chr9-2029197-A-T. GRCh37 (hg19) VCF-style: chr9-2029197-A-T.
Other names: c.175A>T, p.Thr59Ser (NM_001289396.2, NM_001289397.2, NM_139045.4); short protein forms T59S.
Identifiers: ClinVar variation 366194 (VCV000366194.56), dbSNP rs138129490, ClinGen allele CA4962767.

ClinVar aggregate classification (germline): Conflicting classifications of pathogenicity. Review status: criteria provided, conflicting classifications (1 of 4 stars). 4 submissions from 4 submitters: Uncertain significance (1); Likely benign (3). Last evaluated 2025-06-04.

Conditions:
Inborn genetic diseases. Identifiers: MedGen C0950123, MeSH D030342.
Nicolaides-Baraitser syndrome (NCBRS). Also called: Intellectual disability-sparse hair-brachydactyly syndrome; SMARCA2-Related Nicolaides-Baraitser Syndrome. Identifiers: Orphanet 3051, MedGen C1303073, MONDO:0011053, OMIM 601358.

Allele frequency attached by ClinVar (database versions not stated): gnomAD exomes 0.00015 and 0.00004; 1000 Genomes Project 30x 0.00031; 1000 Genomes Project 0.00040; ExAC 0.00005; gnomAD 0.00008 and 0.00010; TOPMed 0.00012.
gnomAD v4.1: 228 of 1,613,564 alleles (0.014%); highest among the groups gnomAD compares: Non-Finnish European, 0.019%; no homozygotes.

Submissions (4):

Labcorp Genetics (formerly Invitae), Labcorp
Classification: Likely benign. Last evaluated: 2025-06-04. Review status: criteria provided, single submitter. Criteria: Invitae Variant Classification Sherloc (09022015). Collection method: clinical testing. Allele origin: germline.

Illumina Laboratory Services, Illumina
Classification: Likely benign for Nicolaides-Baraitser syndrome. Last evaluated: 2018-01-13. Review status: criteria provided, single submitter. Criteria: ICSL Variant Classification Criteria 13 December 2019. Collection method: clinical testing. Allele origin: germline.
Comment: This variant was observed in the ICSL laboratory as part of a predisposition screen in an ostensibly healthy population. It had not been previously curated by ICSL or reported in the Human Gene Mutation Database (HGMD: prior to June 1st, 2018), and was therefore a candidate for classification through an automated scoring system. Utilizing variant allele frequency, disease prevalence and penetrance estimates, and inheritance mode, an automated score was calculated to assess if this variant is too frequent to cause the disease. Based on the score and internal cut-off values, a variant classified as likely benign is not then subjected to further curation. The score for this variant resulted in a classification of likely benign for this disease.

CeGaT Center for Human Genetics Tuebingen
Classification: Uncertain significance. Last evaluated: 2017-07-01. Review status: criteria provided, single submitter. Criteria: CeGaT Center For Human Genetics Tuebingen Variant Classification Criteria Version 2. Collection method: clinical testing. Allele origin: germline. Affected: yes. Observed: 1 variant allele.

Ambry Genetics
Classification: Likely benign for Inborn genetic diseases. Last evaluated: 2017-03-28. Review status: criteria provided, single submitter. Criteria: Ambry Variant Classification Scheme 2023. Collection method: clinical testing. Allele origin: germline.